The following is an entry in ClinVar:

NM_020708.5(SLC12A5):c.340G>A (p.Val114Ile)

Gene: SLC12A5 (solute carrier family 12 member 5; plus strand). Cytogenetic location: 20q13.12.
Variant type: single nucleotide variant.
Coding change: c.340G>A on transcript NM_020708.5 (MANE Select); coding-DNA position 340, G replaced by A.
Protein change: p.Val114Ile; replaces valine 114 with isoleucine.
Molecular consequence: missense variant.
Genome position (GRCh38, 1-based): chr20:46,035,837, G>A. VCF-style: chr20-46035837-G-A. GRCh37 (hg19) VCF-style: chr20-44664476-G-A.
Other names: c.409G>A, p.Val137Ile (NM_001134771.2); short protein forms V114I, V137I.
Identifiers: ClinVar variation 566203 (VCV000566203.6), dbSNP rs760750912, ClinGen allele CA9887040.
Genomic context (GRCh38, chr20:46,035,837, plus strand): 5'-GCCCCACGCATGGGCACCTTCATGGGCGTGTACCTGCCGTGCCTGCAGAACATCTTTGGC[G>A]TCATCCTCTTCCTGCGGCTCACCTGGGTGGTGGGCATTGCAGGCATCATGGAGTCCTTCT-3'
Protein context (NP_065759.1, residues 104-124): YLPCLQNIFG[Val114Ile]ILFLRLTWVV

ClinVar aggregate classification (germline): Uncertain significance (1 of 4 stars; one submission).

Conditions:
Developmental and epileptic encephalopathy, 34 (DEE34). Also called: Early infantile epileptic encephalopathy 34; SLC12A5-Related Epilepsy of Infancy with Migrating Focal Seizures. Identifiers: Orphanet 293181, MedGen C4225257, MONDO:0014718, OMIM 616645.

Allele frequency attached by ClinVar (database versions not stated): ExAC 0.00002; gnomAD exomes 0.00004 and 0.00001; gnomAD 0.00001; TOPMed 0.00001.
gnomAD v4.1: 21 of 1,614,028 alleles (0.0013%); highest among the groups gnomAD compares: Admixed American, 0.017%; no homozygotes.

Submission:

Labcorp Genetics (formerly Invitae), Labcorp
Classification: Uncertain significance for Developmental and epileptic encephalopathy, 34. Last evaluated: 2022-09-01. Review status: criteria provided, single submitter. Criteria: Invitae Variant Classification Sherloc (09022015). Collection method: clinical testing. Allele origin: germline.
Comment: This sequence change replaces valine, which is neutral and non-polar, with isoleucine, which is neutral and non-polar, at codon 114 of the SLC12A5 protein (p.Val114Ile). This variant is present in population databases (rs760750912, gnomAD 0.02%). This variant has not been reported in the literature in individuals affected with SLC12A5-related conditions. ClinVar contains an entry for this variant (Variation ID: 566203). Advanced modeling of protein sequence and biophysical properties (such as structural, functional, and spatial information, amino acid conservation, physicochemical variation, residue mobility, and thermodynamic stability) performed at Invitae indicates that this missense variant is not expected to disrupt SLC12A5 protein function. In summary, the available evidence is currently insufficient to determine the role of this variant in disease. Therefore, it has been classified as a Variant of Uncertain Significance.